The following is an entry in ClinVar:

ClinVar aggregate classification (germline): Conflicting classifications of pathogenicity. Review status: criteria provided, conflicting classifications (1 of 4 stars). 4 submissions from 4 submitters: Uncertain significance (1); Likely benign (3). Last evaluated 2025-12-07.

Conditions:
Dilated cardiomyopathy 1G (CMD1G). Identifiers: Orphanet 154, MedGen C1858763, MONDO:0011400, OMIM 604145.
Tibial muscular dystrophy (TMD). Also called: Udd Distal Myopathy – Tibial Muscular Dystrophy; UDD MYOPATHY; Tibial muscular dystrophy, tardive. Identifiers: Orphanet 609, MedGen C1838244, MONDO:0010870, OMIM 600334.
Early-onset myopathy with fatal cardiomyopathy (CMYO5). Also called: Salih Myopathy; CONGENITAL MYOPATHY 5 WITH CARDIOMYOPATHY. Identifiers: Orphanet 289377, MedGen C2673677, MONDO:0012714, OMIM 611705. Disease mechanism: loss of function.
Autosomal recessive limb-girdle muscular dystrophy type 2J (LGMDR10). Also called: Limb-girdle muscular dystrophy, type 2J; MUSCULAR DYSTROPHY, LIMB-GIRDLE, AUTOSOMAL RECESSIVE 10. Identifiers: Orphanet 140922, MedGen C1837342, MONDO:0012127, OMIM 608807.
Myopathy, myofibrillar, 9, with early respiratory failure (MFM9). Also called: Hereditary myopathy with early respiratory failure; Myopathy, distal, with early respiratory failure, autosomal dominant; EDSTROM MYOPATHY; MYOPATHY, PROXIMAL, WITH EARLY RESPIRATORY MUSCLE INVOLVEMENT. Identifiers: Orphanet 178464, Orphanet 34521, MedGen C1863599, MONDO:0011362, OMIM 603689.
Hypertrophic cardiomyopathy 9. Also called: Familial hypertrophic cardiomyopathy 9. Identifiers: MedGen C1861065, MONDO:0013412, OMIM 613765.

Allele frequency attached by ClinVar (database versions not stated): ExAC 0.00003; gnomAD exomes 0.00004 and 0.00008; gnomAD 0.00005 and 0.00004; TOPMed 0.00005; ESP Exome Variant Server 0.00009.
gnomAD v4.1: 125 of 1,599,132 alleles (0.0078%); highest among the groups gnomAD compares: Non-Finnish European, 0.01%; no homozygotes.

Submissions (4):

Labcorp Genetics (formerly Invitae), Labcorp
Classification: Likely benign for Dilated cardiomyopathy 1G; Autosomal recessive limb-girdle muscular dystrophy type 2J. Last evaluated: 2025-12-07. Review status: criteria provided, single submitter. Criteria: Invitae Variant Classification Sherloc (09022015). Collection method: clinical testing. Allele origin: germline.

Women's Health and Genetics/Laboratory Corporation of America, LabCorp
Classification: Likely benign. Last evaluated: 2025-12-04. Review status: criteria provided, single submitter. Criteria: LabCorp Variant Classification Summary - May 2015. Collection method: clinical testing. Allele origin: germline.

GeneDx
Classification: Uncertain significance. Last evaluated: 2023-11-02. Review status: criteria provided, single submitter. Criteria: GeneDx Variant Classification Process June 2021. Collection method: clinical testing. Allele origin: germline.
Comment: Has not been previously published as pathogenic or benign to our knowledge; In silico analysis suggests this variant may impact gene splicing. In the absence of RNA/functional studies, the actual effect of this sequence change is unknown.

Fulgent Genetics
Classification: Likely benign for Tibial muscular dystrophy; Myopathy, myofibrillar, 9, with early respiratory failure; Dilated cardiomyopathy 1G; Autosomal recessive limb-girdle muscular dystrophy type 2J; Early-onset myopathy with fatal cardiomyopathy; Hypertrophic cardiomyopathy 9. Last evaluated: 2022-05-26. Review status: criteria provided, single submitter. Criteria: ACMG Guidelines, 2015. Collection method: clinical testing. Allele origin: unknown.

NM_001267550.2(TTN):c.39818-9T>C

Gene: TTN (titin; minus strand). Cytogenetic location: 2q31.2.
Variant type: single nucleotide variant.
Coding change: c.39818-9T>C on transcript NM_001267550.2 (MANE Select); 9 bases into the intron before coding-DNA position 39818, T replaced by C.
Molecular consequence: intron variant.
Genome position (GRCh38, 1-based): chr2:178,649,903, A>G on the plus strand (T>C on the coding strand, the complement: TTN is on the minus strand). VCF-style: chr2-178649903-A-G. GRCh37 (hg19) VCF-style: chr2-179514630-A-G.
Other names: c.13283-7586T>C (NM_003319.4); c.13859-7586T>C (NM_133437.4); c.13658-7586T>C (NM_133432.3); c.32516-9T>C (NM_133378.4); c.35297-9T>C (NM_001256850.1).
Identifiers: ClinVar variation 413138 (VCV000413138.20), dbSNP rs368834130, ClinGen allele CA1996586.